The following is an entry in ClinVar:

NM_001369.3(DNAH5):c.5926G>T (p.Gly1976Ter)

Gene: DNAH5 (dynein axonemal heavy chain 5; minus strand). Cytogenetic location: 5p15.2.
Variant type: single nucleotide variant.
Coding change: c.5926G>T on transcript NM_001369.3 (MANE Select); coding-DNA position 5926, G replaced by T.
Protein change: p.Gly1976Ter; replaces glycine 1976 with a stop codon.
Molecular consequence: nonsense.
Genome position (GRCh38, 1-based): chr5:13,830,732, C>A on the plus strand (G>T on the coding strand, the complement: DNAH5 is on the minus strand). VCF-style: chr5-13830732-C-A. GRCh37 (hg19) VCF-style: chr5-13830841-C-A.
Other names: c.5926G>T (NM_001369.2); short protein forms G1976*.
Identifiers: ClinVar variation 1385038 (VCV001385038.7), dbSNP rs751690064, ClinGen allele CA3203525.
Genomic context (GRCh38, chr5:13,830,732, plus strand): 5'-ATCGTCCCATGTCTTTAGTGGTTTCTGTTTTGCCTGTGCCTGCAGGTCCAGCAGGGGCTC[C>A]CCCCATGCTCATTCCCAGAGCTTGAGCCAGCGTGATGTAACATCTGCATGGGTAGAAACA-3'

ClinVar aggregate classification (germline): Pathogenic/Likely pathogenic. Review status: criteria provided, multiple submitters, no conflicts (2 of 4 stars). 2 submissions from 2 submitters: Pathogenic (1); Likely pathogenic (1). Last evaluated 2024-10-22.

Conditions:
Primary ciliary dyskinesia. Also called: Ciliary dyskinesia. Identifiers: Orphanet 244, MedGen C0008780, MONDO:0016575, HP:0012265.

Allele frequency attached by ClinVar (database versions not stated): gnomAD exomes below 0.00001; ExAC 0.00001.
gnomAD v4.1: 5 of 1,614,120 alleles (0.00031%); highest among the groups gnomAD compares: East Asian, 0.0089%; no homozygotes.

Submissions (2):

Natera, Inc.
Classification: Likely pathogenic for Primary ciliary dyskinesia. Last evaluated: 2024-10-22. Review status: criteria provided, single submitter. Criteria: Natera Variant Classification Schema (03/2026). Collection method: clinical testing. Allele origin: germline.
Comment: The c.5926G>T variant in DNAH5 is a nonsense variant predicted to introduce a stop codon at amino acid 1976. This variant is expected to result in nonsense mediated decay, truncation, or a dysfunctional protein product. This variant is rare in the general population with a frequency below the threshold expected for the associated phenotype(s). Given the available evidence, this variant is classified as Likely Pathogenic.

Labcorp Genetics (formerly Invitae), Labcorp
Classification: Pathogenic for Primary ciliary dyskinesia. Last evaluated: 2021-07-21. Review status: criteria provided, single submitter. Criteria: Invitae Variant Classification Sherloc (09022015). Collection method: clinical testing. Allele origin: germline.
Comment: For these reasons, this variant has been classified as Pathogenic. Algorithms developed to predict the effect of sequence changes on RNA splicing suggest that this variant may create or strengthen a splice site. This variant has not been reported in the literature in individuals affected with DNAH5-related conditions. This variant is present in population databases (rs751690064, ExAC 0.001%). This sequence change creates a premature translational stop signal (p.Gly1976*) in the DNAH5 gene. It is expected to result in an absent or disrupted protein product. Loss-of-function variants in DNAH5 are known to be pathogenic (PMID: 11788826, 16627867).

Literature cited by the submitters: PubMed 11788826 (cited by Labcorp Genetics (formerly Invitae), Labcorp); PubMed 16627867 (cited by Labcorp Genetics (formerly Invitae), Labcorp).